The following is an entry in ClinVar:

ClinVar aggregate classification (germline): Uncertain significance. Review status: criteria provided, multiple submitters, no conflicts (2 of 4 stars). 2 submissions from 2 submitters: Uncertain significance (2). Last evaluated 2022-08-04.

Conditions:
Adams-Oliver syndrome 5 (AOS5). Identifiers: Orphanet 974, MedGen C4014970, MONDO:0014459, OMIM 616028.
Familial thoracic aortic aneurysm and aortic dissection (TAAD). Also called: Thoracic aortic aneurysms and dissections. Identifiers: Orphanet 91387, MedGen C4707243, MONDO:0019625.

Allele frequency attached by ClinVar (database versions not stated): gnomAD exomes below 0.00001.
gnomAD v4.1: 5 of 1,610,250 alleles (0.00031%); highest among the groups gnomAD compares: Non-Finnish European, 0.00042%; no homozygotes.

Submissions (2):

CHEO Genetics Diagnostic Laboratory, Children's Hospital of Eastern Ontario
Classification: Uncertain significance for Familial thoracic aortic aneurysm and aortic dissection. Last evaluated: 2022-08-04. Review status: criteria provided, single submitter. Criteria: ACMG Guidelines, 2015. Collection method: clinical testing. Allele origin: germline.

Labcorp Genetics (formerly Invitae), Labcorp
Classification: Uncertain significance for Adams-Oliver syndrome 5. Last evaluated: 2021-12-19. Review status: criteria provided, single submitter. Criteria: Invitae Variant Classification Sherloc (09022015). Collection method: clinical testing. Allele origin: germline.
Comment: In summary, the available evidence is currently insufficient to determine the role of this variant in disease. Therefore, it has been classified as a Variant of Uncertain Significance. Advanced modeling of protein sequence and biophysical properties (such as structural, functional, and spatial information, amino acid conservation, physicochemical variation, residue mobility, and thermodynamic stability) performed at Invitae indicates that this missense variant is not expected to disrupt NOTCH1 protein function. This variant has not been reported in the literature in individuals affected with NOTCH1-related conditions. This variant is not present in population databases (gnomAD no frequency). This sequence change replaces leucine, which is neutral and non-polar, with proline, which is neutral and non-polar, at codon 2247 of the NOTCH1 protein (p.Leu2247Pro).

NM_017617.5(NOTCH1):c.6740T>C (p.Leu2247Pro)

Gene: NOTCH1 (notch receptor 1; minus strand). Cytogenetic location: 9q34.3.
Variant type: single nucleotide variant.
Coding change: c.6740T>C on transcript NM_017617.5 (MANE Select); coding-DNA position 6740, T replaced by C.
Protein change: p.Leu2247Pro; replaces leucine 2247 with proline.
Molecular consequence: missense variant.
Genome position (GRCh38, 1-based): chr9:136,496,999, A>G on the plus strand (T>C on the coding strand, the complement: NOTCH1 is on the minus strand). VCF-style: chr9-136496999-A-G. GRCh37 (hg19) VCF-style: chr9-139391451-A-G.
Other names: c.6740T>C (NM_017617.3); short protein forms L2247P.
Identifiers: ClinVar variation 1933637 (VCV001933637.6), dbSNP rs2133317359, ClinGen allele CA375630440.